The following continues an entry in ClinVar:

NM_007194.4(CHEK2):c.1169A>C (p.Tyr390Ser)

Gene: CHEK2. ClinVar aggregate classification (germline): Pathogenic/Likely pathogenic. Pathogenic (3); Likely pathogenic (14).

Submissions 10 to 20 of 20:

Blueprint Genetics
Classification: Likely pathogenic for CHEK2-related disorders. Last evaluated: 2024-03-12. Review status: criteria provided, single submitter. Criteria: ACMG Guidelines, 2015. Collection method: clinical testing. Allele origin: germline. Affected: yes. Observed: 5 variant alleles.

KCCC/NGS Laboratory, Kuwait Cancer Control Center
Classification: Likely pathogenic for CHEK2-related cancer predisposition. Last evaluated: 2023-12-11. Review status: criteria provided, single submitter. Criteria: ACMG Guidelines, 2015. Collection method: clinical testing. Allele origin: germline. Inheritance: Autosomal dominant inheritance. Affected: yes. Observed: 1 heterozygote.
Comment: This sequence change replaces tyrosine, which is neutral and polar, with serine, which is neutral and polar, at codon 390 of the CHEK2 protein (p.Tyr390Ser). This variant is present in population databases (rs200928781, gnomAD 0.005%). This variant is also called c.1298A>C (p.Tyr433Ser; NM_001005735.2) This missense change has been observed in individual(s) with a personal and/or family history of breast cancer, colorectal cancer, ovarian cancer, and/or uterine sarcoma (PMID: 22114986, 25503501, 27751358, 28152038, 27553368, 30441849, 30851065, 29922827, 19782031, 34903604, 32183364, 34480478, 33471991, 33925588, 30613976, 33919281, 32805687, 32957588, 35220195). It has also been observed to segregate with disease in related individuals. ClinVar contains an entry for this variant (Variation ID: 141818). In silico analysis, which includes protein predictors and evolutionary conservation, supports a deleterious effect; Published functional studies demonstrate a damaging effect: loss of kinase activity and DNA-damage response (Desrichard et al., 2011; Delimitsou et al., 2019; Boonen et al., 2022). In summary, the currently available evidence indicates that the variant is pathogenic, but additional data are needed to prove that conclusively. Therefore, this variant has been classified as Likely Pathogenic.

Women's Health and Genetics/Laboratory Corporation of America, LabCorp
Classification: Pathogenic for Hereditary breast ovarian cancer syndrome. Last evaluated: 2023-08-01. Review status: criteria provided, single submitter. Criteria: LabCorp Variant Classification Summary - May 2015. Collection method: clinical testing. Allele origin: germline.
Comment: Variant summary: CHEK2 c.1169A>C (p.Tyr390Ser) results in a non-conservative amino acid change to a highly conserved residue (HGMD) located in the Protein kinase domain (IPR000719) of the encoded protein sequence. Five of five in-silico tools predict a damaging effect of the variant on protein function. The variant allele was found at a frequency of 2.4e-05 in 252072 control chromosomes (gnomAD). c.1169A>C has been reported in the literature in multiple individuals affected with Hereditary Breast And Ovarian Cancer Syndrome or Prostate Cancer (e.g. Maxwell_2014, Koczkowska_2018, Apostolou_2021, Kirchner_2022). These data indicate that the variant is very likely to be associated with disease. In functional assays (in vitro kinase activity assay and yeast based functional assay), the variant of interest was found to have activity similar to the negative control and the well-characterized 1100delC mutation (Desrichard_2011, Delimitsou_2019). In a mouse embryonic stem cell-based system, the variant protein showed a similar extent of impairment of Kap1 phosphorylation as truncating variants (Boonen_2022). The following publications have been ascertained in the context of this evaluation (PMID: 25503501, 27553368, 22114986, 27751358, 29922827, 30851065, 30441849, 32183364, 33925588, 32090079, 36360192, 35643632). 11 submitters have cited clinical-significance assessments for this variant to ClinVar after 2014, and classified it as pathogenic/likely pathogenic (n=10) or uncertain significance (n=1). Based on the evidence outlined above, the variant was classified as pathogenic.

Myriad Genetics, Inc.
Classification: Likely pathogenic for Familial cancer of breast. Last evaluated: 2023-06-28. Review status: criteria provided, single submitter. Criteria: Myriad Autosomal Dominant, Autosomal Recessive and X-Linked Classification Criteria (2023). Collection method: clinical testing. Allele origin: unknown.
Comment: This variant is considered likely pathogenic. Functional studies indicate this variant impacts protein function [PMID: 34903604, 22114986, 25619829, 29761796]. This variant is expected to disrupt protein structure [Myriad internal data].

Quest Diagnostics Nichols Institute San Juan Capistrano
Classification: Likely pathogenic. Last evaluated: 2023-01-30. Review status: criteria provided, single submitter. Criteria: Quest Diagnostics criteria. Collection method: clinical testing. Allele origin: unknown.
Comment: In the published literature, this variant has been reported in individuals affected with breast cancer or ovarian cancer, and in individuals at increased risk for cancer based on family history (PMIDs: 22114986 (2011), 27553368 (2016), 27751358 (2016), 30441849 (2018), 32957588 (2020), 33919281 (2021), and 33925588 (2021)). In addition, experimental studies indicate this variant is damaging to CHEK2 protein function (PMIDs: 34903604 (2021), 30851065 (2019), 22114986 (2011), 20713355 (2010)). Analysis of this variant using bioinformatics tools for the prediction of the effect of amino acid changes on protein structure and function yielded predictions that this variant is damaging. Based on the available information, this variant is classified as likely pathogenic.

Centre for Mendelian Genomics, University Medical Centre Ljubljana
Classification: Likely pathogenic for Familial cancer of breast. Last evaluated: 2022-12-09. Review status: criteria provided, single submitter. Criteria: ACMG Guidelines, 2015. Collection method: research. Allele origin: germline. Affected: no.
Comment: PS3, PS4_STR

Sema4
Classification: Likely pathogenic for Hereditary cancer-predisposing syndrome. Last evaluated: 2021-09-08. Review status: criteria provided, single submitter. Criteria: Sema4 Curation Guidelines. Collection method: curation. Allele origin: germline.
Comment: The CHEK2 c.1169A>C (p.Y390S) variant has been reported in individuals with a personal and/or family history of breast and/or ovarian cancer (PMID: 22114986, 25503501, 30441849, 27553368, 29522266, 32957588, 33471991). It was observed in 6/113390 chromosomes of the Non-Finnish European subpopulation in the Genome Aggregation Database (PMID: 32461654). The variant has been reported in ClinVar (Variation ID 141818). In silico tools suggest the impact of the variant on protein function is deleterious. Functional studies demonstrated the variant to impair CHEK2 kinase activity and render yeast cells sensitive to a DNA damaging agent (PMID: 22114986, 30851065). Based on the current evidence available, this variant is interpreted as likely pathogenic.

Medical Cytogenetics and Molecular Genetics Laboratory, IRCCS Istituto Auxologico Italiano
Classification: Pathogenic for Premature ovarian failure. Last evaluated: 2020-03-02. Review status: criteria provided, single submitter. Criteria: ACMG Guidelines, 2015. Collection method: research. Allele origin: germline. Affected: yes. Observed: 1 variant allele.

Clinical Genetics Laboratory, University Hospital Schleswig-Holstein
Classification: Pathogenic for Familial prostate cancer. Last evaluated: 2021-10-18. Review status: no assertion criteria provided. Collection method: clinical testing. Allele origin: germline. Affected: yes. Not counted in ClinVar's aggregate classification.

Counsyl
Classification: Uncertain significance for Familial cancer of breast. Last evaluated: 2018-03-13. Review status: no assertion criteria provided. Collection method: clinical testing. Allele origin: unknown. Not counted in ClinVar's aggregate classification.

Department of Pathology and Laboratory Medicine, Sinai Health System
Classification: Uncertain significance for Malignant tumor of breast. Review status: no assertion criteria provided. Collection method: clinical testing. Allele origin: unknown. Affected: yes. Study: The Canadian Open Genetics Repository (COGR). Not counted in ClinVar's aggregate classification.
Comment: The CHEK2 p.Tyr390Ser variant was identified in 6 of 93488 proband chromosomes (frequency: 0.00006) from individuals or families with breast cancer and was not identified in 1026 control chromosomes from healthy individuals (Desrichard 2011, Leedom 2016, Maxwell 2015, Pinto 2016). The variant was also identified in dbSNP (ID: rs200928781) as "With Likely pathogenic, Uncertain significance allele" and ClinVar (classified as uncertain significance by Invitae and Counsyl; as likely pathogenic by Ambry Genetics, GeneDx and Color). The variant was identified in control databases in 6 of 245894 chromosomes at a frequency of 0.00002 (Genome Aggregation Database Feb 27, 2017). The variant was observed in the European population in 6 of 111380 chromosomes (freq: 0.00005); it was not observed in the African, Other, Latino, Ashkenazi Jewish, East Asian, Finnish, or South Asian populations. The variant was found disrupt CHEK2 kinase activity through an in vitro kinase activity assay (Desrichard 2011). The p.Tyr390 residue is conserved across mammals and other organisms, and computational analyses (PolyPhen-2, SIFT, AlignGVGD, BLOSUM, MutationTaster) suggest that the variant may impact the protein; however, this information is not predictive enough to assume pathogenicity. The variant occurs outside of the splicing consensus sequence and in silico or computational prediction software programs (SpliceSiteFinder, MaxEntScan, NNSPLICE, GeneSplicer) do not predict a difference in splicing. In summary, based on the above information, the clinical significance of this variant cannot be determined with certainty at this time. This variant is classified as a variant of uncertain significance.

Literature cited by the submitters: PubMed 3085106 (cited by Center for Genomic Medicine, Rigshospitalet, Copenhagen University Hospital); PubMed 34903604 (cited by 6 submitters); PubMed 37449874 (cited by 4 submitters); PubMed 22114986 (cited by 7 submitters); PubMed 25503501 (cited by 6 submitters); PubMed 27553368 (cited by 5 submitters); PubMed 27751358 (cited by 4 submitters); PubMed 30441849 (cited by 6 submitters); PubMed 30613976 (cited by Labcorp Genetics (formerly Invitae), Labcorp); PubMed 32957588 (cited by 4 submitters); PubMed 33919281 (cited by 3 submitters); PubMed 33925588 (cited by 5 submitters); PubMed 34072659 (cited by 4 submitters); PubMed 35220195 (cited by Labcorp Genetics (formerly Invitae), Labcorp); PubMed 30851065 (cited by 6 submitters); PubMed 29522266 (cited by Ambry Genetics and Sema4); PubMed 29922827 (cited by Color Diagnostics, LLC DBA Color Health and Women's Health and Genetics/Laboratory Corporation of America, LabCorp); PubMed 33471991 (cited by Color Diagnostics, LLC DBA Color Health and Sema4); PubMed 32183364 (cited by Women's Health and Genetics/Laboratory Corporation of America, LabCorp and Quest Diagnostics Nichols Institute San Juan Capistrano); PubMed 32090079 (cited by Women's Health and Genetics/Laboratory Corporation of America, LabCorp); PubMed 35643632 (cited by Women's Health and Genetics/Laboratory Corporation of America, LabCorp); PubMed 36360192 (cited by Women's Health and Genetics/Laboratory Corporation of America, LabCorp); PubMed 25619829 (cited by Myriad Genetics, Inc. and Quest Diagnostics Nichols Institute San Juan Capistrano); PubMed 29761796 (cited by Myriad Genetics, Inc.); PubMed 20713355 (cited by Quest Diagnostics Nichols Institute San Juan Capistrano); PubMed 31398194 (cited by Quest Diagnostics Nichols Institute San Juan Capistrano); PubMed 25980754 (cited by Quest Diagnostics Nichols Institute San Juan Capistrano).